The following is an entry in ClinVar:

NM_004519.4(KCNQ3):c.1850G>C (p.Ser617Thr)

Gene: KCNQ3 (potassium voltage-gated channel subfamily Q member 3; minus strand). Cytogenetic location: 8q24.22.
Variant type: single nucleotide variant.
Coding change: c.1850G>C on transcript NM_004519.4 (MANE Select); coding-DNA position 1850, G replaced by C.
Protein change: p.Ser617Thr; replaces serine 617 with threonine.
Molecular consequence: missense variant.
Genome position (GRCh38, 1-based): chr8:132,132,214, C>G on the plus strand (G>C on the coding strand, the complement: KCNQ3 is on the minus strand). VCF-style: chr8-132132214-C-G. GRCh37 (hg19) VCF-style: chr8-133144461-C-G.
Other names: p.S617T:AGC>ACC; c.1490G>C, p.Ser497Thr (NM_001204824.2); short protein forms S617T, S497T.
Identifiers: ClinVar variation 205979 (VCV000205979.2), dbSNP rs758002609, ClinGen allele CA315624.

ClinVar aggregate classification (germline): Uncertain significance (1 of 4 stars; one submission).

Allele frequency attached by ClinVar (database versions not stated): gnomAD exomes below 0.00001; ExAC 0.00001.
gnomAD v4.1: 2 of 1,613,824 alleles (0.00012%); highest among the groups gnomAD compares: Non-Finnish European, 0.00017%; no homozygotes.

Submission:

GeneDx
Classification: Uncertain significance. Last evaluated: 2013-01-09. Review status: criteria provided, single submitter. Criteria: GeneDx Variant Classification (06012015). Collection method: clinical testing. Allele origin: germline. Affected: yes.
Comment: p.Ser617Thr (AGC>ACC): c.1850 G>C in the KCNQ3 gene. The Ser617Thr missense change has not been published as a mutation, nor has it been reported as a benign polymorphism to our knowledge. The NHLBI ESP Exome Variant Project has not identified Ser617Thr in approximately 6,500 individuals of European or African American ethnicity, indicating that it is not a common benign variant in these populations. The amino acid substitution is conservative, which is not likely to impact secondary protein structure as these residues share similar properties. This substitution occurs at a position that is highly conserved in the C-terminal region of the protein and multiple in silico models predict this variant is probably damaging to protein structure/function. However, missense mutations have not been previously reported in this region of the protein in association with epilepsy. The variant is found in EPILEPSY panel(s).